The following is an entry in ClinVar:

ClinVar aggregate classification (germline): Uncertain significance (1 of 4 stars; one submission).

gnomAD v4.1: 11 of 1,609,938 alleles (0.00068%); highest among the groups gnomAD compares: East Asian, 0.0022%; no homozygotes.

Submission:

Labcorp Genetics (formerly Invitae), Labcorp
Classification: Uncertain significance. Last evaluated: 2024-06-24. Review status: criteria provided, single submitter. Criteria: Invitae Variant Classification Sherloc (09022015). Collection method: clinical testing. Allele origin: germline.
Comment: This sequence change falls in intron 17 of the BUB1 gene. It does not directly change the encoded amino acid sequence of the BUB1 protein. This variant is present in population databases (rs368843962, gnomAD 0.003%). This variant has not been reported in the literature in individuals affected with BUB1-related conditions. Experimental studies and prediction algorithms are not available or were not evaluated, and the effect of this variant on mRNA splicing is currently unknown. In summary, the available evidence is currently insufficient to determine the role of this variant in disease. Therefore, it has been classified as a Variant of Uncertain Significance.

NM_004336.5(BUB1):c.1965-6G>A

Gene: BUB1 (BUB1 mitotic checkpoint serine/threonine kinase; minus strand). Cytogenetic location: 2q13.
Variant type: single nucleotide variant.
Coding change: c.1965-6G>A on transcript NM_004336.5 (MANE Select); 6 bases into the intron before coding-DNA position 1965, G replaced by A.
Molecular consequence: intron variant.
Genome position (GRCh38, 1-based): chr2:110,650,790, C>T on the plus strand (G>A on the coding strand, the complement: BUB1 is on the minus strand). VCF-style: chr2-110650790-C-T. GRCh37 (hg19) VCF-style: chr2-111408367-C-T.
Other names: c.1905-6G>A (NM_001278616.2); c.1965-6G>A (NM_001278617.2).
Identifiers: ClinVar variation 3712083 (VCV003712083.2).